The following is an entry in ClinVar:

NM_001943.5(DSG2):c.2491C>T (p.Leu831Phe)

Genes: DSG2-AS1 (DSG2 antisense RNA 1; minus strand), DSG2 (desmoglein 2; plus strand). Cytogenetic location: 18q12.1.
Variant type: single nucleotide variant.
Coding change: c.2491C>T on transcript NM_001943.5 (MANE Select); coding-DNA position 2491, C replaced by T.
Protein change: p.Leu831Phe; replaces leucine 831 with phenylalanine.
Molecular consequence: missense variant. On other transcripts: non-coding transcript variant (1).
Genome position (GRCh38, 1-based): chr18:31,545,877, C>T. VCF-style: chr18-31545877-C-T. GRCh37 (hg19) VCF-style: chr18-29125840-C-T.
Other names: c.2491C>T (NM_001943.3); short protein forms L831F.
Identifiers: ClinVar variation 928324 (VCV000928324.10), dbSNP rs763547599, ClinGen allele CA046208.

ClinVar aggregate classification (germline): Conflicting classifications of pathogenicity. Review status: criteria provided, conflicting classifications (1 of 4 stars). 3 submissions from 3 submitters: Uncertain significance (2); Likely benign (1). Last evaluated 2026-07-20.

Conditions:
Cardiomyopathy (CMYO). Also called: Cardiomyopathies. Identifiers: Orphanet 167848, MedGen C0878544, MONDO:0004994, HP:0001638. Inheritance: Various modes of inheritance.
Cardiovascular phenotype. Identifiers: MedGen CN230736.
Arrhythmogenic right ventricular dysplasia 10. Also called: Arrhythmogenic Right Ventricular Dysplasia/Cardiomyopathy10; ARRHYTHMOGENIC RIGHT VENTRICULAR DYSPLASIA, FAMILIAL, 10; Arrhythmogenic right ventricular dysplasia/cardiomyopathy, type 10. Identifiers: MedGen C1857777, MONDO:0012434, OMIM 610193.

Allele frequency attached by ClinVar (database versions not stated): gnomAD 0.00001; gnomAD exomes 0.00002 and 0.00003; TOPMed 0.00003; ExAC 0.00003.
gnomAD v4.1: 43 of 1,613,948 alleles (0.0027%); highest among the groups gnomAD compares: Non-Finnish European, 0.0035%; no homozygotes.

Submissions (3):

Ambry Genetics
Classification: Likely benign for Cardiovascular phenotype. Last evaluated: 2026-07-20. Review status: criteria provided, single submitter. Criteria: Ambry Variant Classification Scheme 2023. Collection method: clinical testing. Allele origin: germline.

Labcorp Genetics (formerly Invitae), Labcorp
Classification: Uncertain significance for Arrhythmogenic right ventricular dysplasia 10. Last evaluated: 2026-01-09. Review status: criteria provided, single submitter. Criteria: Invitae Variant Classification Sherloc (09022015). Collection method: clinical testing. Allele origin: germline.
Comment: This sequence change replaces leucine, which is neutral and non-polar, with phenylalanine, which is neutral and non-polar, at codon 831 of the DSG2 protein (p.Leu831Phe). This variant is present in population databases (rs763547599, gnomAD 0.005%). This missense change has been observed in individual(s) with clinical features of arrhythmogenic right ventricular cardiomyopathy (PMID: 24070718). ClinVar contains an entry for this variant (Variation ID: 928324). Invitae Evidence Modeling of protein sequence and biophysical properties (such as structural, functional, and spatial information, amino acid conservation, physicochemical variation, residue mobility, and thermodynamic stability) indicates that this missense variant is not expected to disrupt DSG2 protein function with a negative predictive value of 95%. In summary, the available evidence is currently insufficient to determine the role of this variant in disease. Therefore, it has been classified as a Variant of Uncertain Significance.

Color Diagnostics, LLC DBA Color Health
Classification: Uncertain significance for Cardiomyopathy. Last evaluated: 2024-08-29. Review status: criteria provided, single submitter. Criteria: ACMG Guidelines, 2015. Collection method: clinical testing. Allele origin: germline.
Comment: This missense variant replaces leucine with phenylalanine at codon 831 of the DSG2 protein. Computational prediction is inconclusive regarding the impact of this variant on protein structure and function. To our knowledge, functional studies have not been reported for this variant. This variant has not been reported in individuals affected with DSG2-related disorders in the literature. This variant has been identified in 6/249258 chromosomes in the general population by the Genome Aggregation Database (gnomAD). The available evidence is insufficient to determine the role of this variant in disease conclusively. Therefore, this variant is classified as a Variant of Uncertain Significance.

Literature cited by the submitters: PubMed 24070718 (cited by Ambry Genetics and Labcorp Genetics (formerly Invitae), Labcorp); PubMed 28416588 (cited by Ambry Genetics).